The following is an entry in ClinVar:

NM_000702.4(ATP1A2):c.888C>T (p.Val296=)

Gene: ATP1A2 (ATPase Na+/K+ transporting subunit alpha 2; plus strand). Cytogenetic location: 1q23.2.
Variant type: single nucleotide variant.
Coding change: c.888C>T on transcript NM_000702.4 (MANE Select); coding-DNA position 888, C replaced by T.
Protein change: p.Val296=; no amino-acid change (valine 296 retained).
Molecular consequence: synonymous variant.
Genome position (GRCh38, 1-based): chr1:160,127,691, C>T. VCF-style: chr1-160127691-C-T. GRCh37 (hg19) VCF-style: chr1-160097481-C-T.
Identifiers: ClinVar variation 1253331 (VCV001253331.12), dbSNP rs767314566, ClinGen allele CA1194303.

ClinVar aggregate classification (germline): Likely benign. Review status: criteria provided, multiple submitters, no conflicts (2 of 4 stars). 3 submissions from 3 submitters: Likely benign (2). 1 of the submissions does not count toward it. Last evaluated 2025-08-03.

Conditions:
Familial hemiplegic migraine. Identifiers: MedGen C0338484, MONDO:0000700.
ATP1A2-related disorder. Also called: ATP1A2-related condition; ATP1A2-RELATED DISORDERS.

Allele frequency attached by ClinVar (database versions not stated): gnomAD 0.00001; TOPMed 0.00001; ExAC 0.00002; gnomAD exomes 0.00003.
gnomAD v4.1: 28 of 1,614,118 alleles (0.0017%); highest among the groups gnomAD compares: East Asian, 0.0022%; no homozygotes.

Submissions (3):

Labcorp Genetics (formerly Invitae), Labcorp
Classification: Likely benign for Familial hemiplegic migraine. Last evaluated: 2025-08-03. Review status: criteria provided, single submitter. Criteria: Invitae Variant Classification Sherloc (09022015). Collection method: clinical testing. Allele origin: germline.

GeneDx
Classification: Likely benign. Last evaluated: 2021-01-25. Review status: criteria provided, single submitter. Criteria: GeneDx Variant Classification Process June 2021. Collection method: clinical testing. Allele origin: germline. Affected: yes.

PreventionGenetics, part of Exact Sciences
Classification: Likely benign for ATP1A2-related condition. Last evaluated: 2021-05-27. Review status: no assertion criteria provided. Collection method: clinical testing. Allele origin: germline. Not counted in ClinVar's aggregate classification.
Comment: This variant is classified as likely benign based on ACMG/AMP sequence variant interpretation guidelines (Richards et al. 2015 PMID: 25741868, with internal and published modifications).